The following is an entry in ClinVar:

ClinVar aggregate classification (germline): Conflicting classifications of pathogenicity. Review status: criteria provided, conflicting classifications (1 of 4 stars). 4 submissions from 4 submitters: Uncertain significance (3); Likely benign (1). Last evaluated 2025-10-18.

Conditions:
Inborn genetic diseases. Identifiers: MedGen C0950123, MeSH D030342.
Spastic paraplegia. Identifiers: MedGen C0037772, HP:0001258.

Allele frequency attached by ClinVar (database versions not stated): gnomAD 0.00003 and 0.00004; TOPMed 0.00008; gnomAD exomes 0.00012 and 0.00011; ExAC 0.00020.
gnomAD v4.1: 176 of 1,611,864 alleles (0.011%); highest among the groups gnomAD compares: Non-Finnish European, 0.013%; 1 homozygote.

Submissions (4):

Ambry Genetics
Classification: Likely benign for Inborn genetic diseases. Last evaluated: 2025-10-18. Review status: criteria provided, single submitter. Criteria: Ambry Variant Classification Scheme 2023. Collection method: clinical testing. Allele origin: germline.

Mayo Clinic Laboratories, Mayo Clinic
Classification: Uncertain significance. Last evaluated: 2025-01-20. Review status: criteria provided, single submitter. Criteria: ACMG Guidelines, 2015. Collection method: clinical testing. Allele origin: germline. Observed: 1 variant allele.
Comment: BP4

Labcorp Genetics (formerly Invitae), Labcorp
Classification: Uncertain significance for Spastic paraplegia. Last evaluated: 2024-10-03. Review status: criteria provided, single submitter. Criteria: Invitae Variant Classification Sherloc (09022015). Collection method: clinical testing. Allele origin: germline.
Comment: This sequence change replaces asparagine, which is neutral and polar, with aspartic acid, which is acidic and polar, at codon 548 of the SLC33A1 protein (p.Asn548Asp). This variant is present in population databases (rs767949889, gnomAD 0.02%). This variant has not been reported in the literature in individuals affected with SLC33A1-related conditions. ClinVar contains an entry for this variant (Variation ID: 959598). An algorithm developed to predict the effect of missense changes on protein structure and function outputs the following: PolyPhen-2: "Benign". The aspartic acid amino acid residue is found in multiple mammalian species, which suggests that this missense change does not adversely affect protein function. In summary, the available evidence is currently insufficient to determine the role of this variant in disease. Therefore, it has been classified as a Variant of Uncertain Significance.

GeneDx
Classification: Uncertain significance. Last evaluated: 2021-03-11. Review status: criteria provided, single submitter. Criteria: GeneDx Variant Classification Process June 2021. Collection method: clinical testing. Allele origin: germline. Affected: yes.
Comment: In silico analysis supports that this missense variant does not alter protein structure/function; Has not been previously published as pathogenic or benign to our knowledge

NM_004733.4(SLC33A1):c.1642A>G (p.Asn548Asp)

Gene: SLC33A1 (solute carrier family 33 member 1; minus strand). Cytogenetic location: 3q25.31.
Variant type: single nucleotide variant.
Coding change: c.1642A>G on transcript NM_004733.4 (MANE Select); coding-DNA position 1642, A replaced by G.
Protein change: p.Asn548Asp; replaces asparagine 548 with aspartic acid.
Molecular consequence: missense variant.
Genome position (GRCh38, 1-based): chr3:155,828,218, T>C on the plus strand (A>G on the coding strand, the complement: SLC33A1 is on the minus strand). VCF-style: chr3-155828218-T-C. GRCh37 (hg19) VCF-style: chr3-155546007-T-C.
Other names: p.Asn548Asp; c.1642A>G, p.Asn548Asp (NM_001190992.2); c.1336A>G, p.Asn446Asp (NM_001363883.1); short protein forms N446D, N548D.
Identifiers: ClinVar variation 959598 (VCV000959598.14), dbSNP rs767949889, ClinGen allele CA2677194.